The following is an entry in ClinVar:

ClinVar aggregate classification (germline): Pathogenic (1 of 4 stars; one submission).

Allele frequency attached by ClinVar (database versions not stated): TOPMed below 0.00001.
gnomAD v4.1: 1 of 1,600,252 alleles (0.000062%); highest among the groups gnomAD compares: Non-Finnish European, 0.000086%; no homozygotes.

Submission:

Labcorp Genetics (formerly Invitae), Labcorp
Classification: Pathogenic. Last evaluated: 2023-06-02. Review status: criteria provided, single submitter. Criteria: Invitae Variant Classification Sherloc (09022015). Collection method: clinical testing. Allele origin: germline.
Comment: For these reasons, this variant has been classified as Pathogenic. This variant has not been reported in the literature in individuals affected with RARS2-related conditions. This variant is not present in population databases (gnomAD no frequency). This sequence change creates a premature translational stop signal (p.Tyr344*) in the RARS2 gene. It is expected to result in an absent or disrupted protein product. Loss-of-function variants in RARS2 are known to be pathogenic (PMID: 17847012, 22569581, 26083569).

Literature cited by the submitters: PubMed 17847012; PubMed 22569581; PubMed 26083569.

NM_020320.5(RARS2):c.1032T>G (p.Tyr344Ter)

Gene: RARS2 (arginyl-tRNA synthetase 2, mitochondrial; minus strand). Cytogenetic location: 6q15.
Variant type: single nucleotide variant.
Coding change: c.1032T>G on transcript NM_020320.5 (MANE Select); coding-DNA position 1032, T replaced by G.
Protein change: p.Tyr344Ter; replaces tyrosine 344 with a stop codon.
Molecular consequence: nonsense. On other transcripts: non-coding transcript variant (23).
Genome position (GRCh38, 1-based): chr6:87,521,467, A>C on the plus strand (T>G on the coding strand, the complement: RARS2 is on the minus strand). VCF-style: chr6-87521467-A-C. GRCh37 (hg19) VCF-style: chr6-88231185-A-C.
Other names: c.507T>G, p.Tyr169Ter (NM_001318785.2, NM_001350506.2, NM_001350507.2 and 4 more transcripts); c.1032T>G, p.Tyr344Ter (NM_001350505.2); short protein forms Y169*, Y344*.
Identifiers: ClinVar variation 2812104 (VCV002812104.3), dbSNP rs980996312, ClinGen allele CA142841805.